The following is an entry in ClinVar:

NM_001388492.1(HTT):c.2027A>G (p.Asp676Gly)

Gene: HTT (huntingtin; plus strand). Cytogenetic location: 4p16.3.
Variant type: single nucleotide variant.
Coding change: c.2027A>G on transcript NM_001388492.1 (MANE Select); coding-DNA position 2027, A replaced by G.
Protein change: p.Asp676Gly; replaces aspartic acid 676 with glycine.
Molecular consequence: missense variant.
Genome position (GRCh38, 1-based): chr4:3,131,326, A>G. VCF-style: chr4-3131326-A-G. GRCh37 (hg19) VCF-style: chr4-3133053-A-G.
Other names: c.2033A>G, p.Asp678Gly (NM_002111.8); short protein forms D676G, D678G.
Identifiers: ClinVar variation 1474932 (VCV001474932.6), dbSNP rs372358763, ClinGen allele CA2823716.

ClinVar aggregate classification (germline): Uncertain significance (1 of 4 stars; one submission).

Allele frequency attached by ClinVar (database versions not stated): ExAC 0.00001; gnomAD exomes 0.00001; TOPMed 0.00002; ESP Exome Variant Server 0.00008.
gnomAD v4.1: 16 of 1,614,086 alleles (0.00099%); highest among the groups gnomAD compares: Admixed American, 0.0017%; no homozygotes.

Submission:

Labcorp Genetics (formerly Invitae), Labcorp
Classification: Uncertain significance. Last evaluated: 2022-09-19. Review status: criteria provided, single submitter. Criteria: Invitae Variant Classification Sherloc (09022015). Collection method: clinical testing. Allele origin: germline.
Comment: Experimental studies and prediction algorithms are not available or were not evaluated, and the functional significance of this variant is currently unknown. This sequence change replaces aspartic acid, which is acidic and polar, with glycine, which is neutral and non-polar, at codon 678 of the HTT protein (p.Asp678Gly). This variant is present in population databases (rs372358763, gnomAD 0.003%). This variant has not been reported in the literature in individuals affected with HTT-related conditions. ClinVar contains an entry for this variant (Variation ID: 1474932). In summary, the available evidence is currently insufficient to determine the role of this variant in disease. Therefore, it has been classified as a Variant of Uncertain Significance.